The following is an entry in ClinVar:

NM_001165963.4(SCN1A):c.4060T>C (p.Cys1354Arg)

Genes: SCN1A (sodium voltage-gated channel alpha subunit 1; minus strand), LOC102724058 (uncharacterized LOC102724058; plus strand). Cytogenetic location: 2q24.3.
Variant type: single nucleotide variant.
Coding change: c.4060T>C on transcript NM_001165963.4 (MANE Select); coding-DNA position 4060, T replaced by C.
Protein change: p.Cys1354Arg; replaces cysteine 1354 with arginine.
Molecular consequence: missense variant. On other transcripts: non-coding transcript variant (1).
Genome position (GRCh38, 1-based): chr2:166,002,696, A>G on the plus strand (T>C on the coding strand, the complement: SCN1A is on the minus strand). VCF-style: chr2-166002696-A-G. GRCh37 (hg19) VCF-style: chr2-166859206-A-G.
Other names: c.3976T>C, p.Cys1326Arg (NM_001165964.3, NM_001353957.2, NM_001353958.2); c.4060T>C, p.Cys1354Arg (NM_001202435.3, NM_001353948.2); c.4027T>C, p.Cys1343Arg (NM_001353949.2, NM_001353950.2, NM_001353951.2 and 2 more transcripts); c.4024T>C, p.Cys1342Arg (NM_001353954.2, NM_001353955.2); c.3973T>C, p.Cys1325Arg (NM_001353960.2); c.1618T>C, p.Cys540Arg (NM_001353961.2); short protein forms C1343R, C1354R, C1325R, C1326R, C540R, C1342R.
Identifiers: ClinVar variation 429569 (VCV000429569.2), dbSNP rs1131691461, ClinGen allele CA349050659.
Genomic context (GRCh38, chr2:166,002,696, plus strand): 5'-AGAATTTGCCAGCAAACAAATTTACGCCCATGATGCTGAAAATTAGCCAGAATATAAGAC[A>G]AACCAGAAGCACATTCATGATGGATGGAATTGCTCCTAAAAGGGCATTCACAACCACCTA-3'
Protein context (NP_001159435.1, residues 1344-1364): IPSIMNVLLV[Cys1354Arg]LIFWLIFSIM

ClinVar aggregate classification (germline): Likely pathogenic (1 of 4 stars; one submission).

Submission:

GeneDx
Classification: Likely pathogenic. Last evaluated: 2015-09-24. Review status: criteria provided, single submitter. Criteria: GeneDx Variant Classification (06012015). Collection method: clinical testing. Allele origin: germline. Affected: yes.
Comment: The C1354R variant has not been published as a pathogenic variant, nor has it been reported as a benign variant to our knowledge. It was not observed in approximately 6,500 individuals of European and African American ancestry in the NHLBI Exome Sequencing Project, indicating it is not a common benign variant in these populations. The C1354R variant is a non-conservative amino acid substitution, which is likely to impact secondary protein structure as these residues differ in polarity, charge, size, and/or other properties. This substitution alters a highly conserved position predicted to be within transmembrane segment S5 in the third homologous domain of the SCN1A protein. Additionally, multiple missense variants in nearby residues have been reported in association with SCN1A-related disorders (Stenson et al., 2014; SCN1A Variant Database), supporting the functional importance of this region of the protein. In silico analysis predicts this variant is probably damaging to the protein structure/function. Therefore, this variant is likely pathogenic; however, the possibility that it is benign cannot be excluded.